The following is an entry in ClinVar:

ClinVar aggregate classification (germline): Uncertain significance (1 of 4 stars; one submission).

Conditions:
Maple syrup urine disease, mild variant (MSUDMV). Identifiers: Orphanet 511, MedGen C3554575, MONDO:0014057, OMIM 615135.

Allele frequency attached by ClinVar (database versions not stated): gnomAD exomes below 0.00001.
gnomAD v4.1: 1 of 1,614,044 alleles (0.000062%); highest among the groups gnomAD compares: Non-Finnish European, 0.000085%; no homozygotes.

Submission:

Labcorp Genetics (formerly Invitae), Labcorp
Classification: Uncertain significance for Maple syrup urine disease, mild variant. Last evaluated: 2023-04-30. Review status: criteria provided, single submitter. Criteria: Invitae Variant Classification Sherloc (09022015). Collection method: clinical testing. Allele origin: germline.
Comment: This variant is present in population databases (no rsID available, gnomAD 0.0009%). In summary, the available evidence is currently insufficient to determine the role of this variant in disease. Therefore, it has been classified as a Variant of Uncertain Significance. An algorithm developed to predict the effect of missense changes on protein structure and function (PolyPhen-2) suggests that this variant is likely to be disruptive. This variant has not been reported in the literature in individuals affected with PPM1K-related conditions. This sequence change replaces serine, which is neutral and polar, with cysteine, which is neutral and slightly polar, at codon 367 of the PPM1K protein (p.Ser367Cys).

NM_152542.5(PPM1K):c.1100C>G (p.Ser367Cys)

Gene: PPM1K (protein phosphatase, Mg2+/Mn2+ dependent 1K; minus strand). Cytogenetic location: 4q22.1.
Variant type: single nucleotide variant.
Coding change: c.1100C>G on transcript NM_152542.5 (MANE Select); coding-DNA position 1100, C replaced by G.
Protein change: p.Ser367Cys; replaces serine 367 with cysteine.
Molecular consequence: missense variant.
Genome position (GRCh38, 1-based): chr4:88,262,614, G>C on the plus strand (C>G on the coding strand, the complement: PPM1K is on the minus strand). VCF-style: chr4-88262614-G-C. GRCh37 (hg19) VCF-style: chr4-89183766-G-C.
Other names: short protein forms S367C.
Identifiers: ClinVar variation 2817063 (VCV002817063.3), dbSNP rs1475719604, ClinGen allele CA357704810.